The following is an entry in ClinVar:

NM_198282.4(STING1):c.430A>G (p.Ile144Val)

Gene: STING1 (stimulator of interferon response cGAMP interactor 1; minus strand). Cytogenetic location: 5q31.2.
Variant type: single nucleotide variant.
Coding change: c.430A>G on transcript NM_198282.4 (MANE Select); coding-DNA position 430, A replaced by G.
Protein change: p.Ile144Val; replaces isoleucine 144 with valine.
Molecular consequence: missense variant.
Genome position (GRCh38, 1-based): chr5:139,480,880, T>C on the plus strand (A>G on the coding strand, the complement: STING1 is on the minus strand). VCF-style: chr5-139480880-T-C. GRCh37 (hg19) VCF-style: chr5-138860465-T-C.
Other names: c.430A>G, p.Ile144Val (NM_001301738.2); c.73A>G, p.Ile25Val (NM_001367258.1); c.430A>G (NM_198282.2); short protein forms I144V, I25V.
Identifiers: ClinVar variation 1680257 (VCV001680257.7), dbSNP rs755245286, ClinGen allele CA3435406.

ClinVar aggregate classification (germline): Conflicting classifications of pathogenicity. Review status: criteria provided, conflicting classifications (1 of 4 stars). 2 submissions from 2 submitters: Uncertain significance (1); Likely benign (1). Last evaluated 2025-12-04.

Conditions:
Inborn genetic diseases. Identifiers: MedGen C0950123, MeSH D030342.
STING-associated vasculopathy with onset in infancy. Also called: Sting-associated vasculopathy, infantile-onset. Identifiers: Orphanet 425120, MedGen C4014722, MONDO:0014405, OMIM 615934.

Allele frequency attached by ClinVar (database versions not stated): gnomAD exomes below 0.00001 and 0.00001; ExAC 0.00001; gnomAD 0.00001; TOPMed 0.00002.
gnomAD v4.1: 5 of 1,613,740 alleles (0.00031%); highest among the groups gnomAD compares: Non-Finnish European, 0.00042%; no homozygotes.

Submissions (2):

Ambry Genetics
Classification: Likely benign for Inborn genetic diseases. Last evaluated: 2025-12-04. Review status: criteria provided, single submitter. Criteria: Ambry Variant Classification Scheme 2023. Collection method: clinical testing. Allele origin: germline.

Labcorp Genetics (formerly Invitae), Labcorp
Classification: Uncertain significance for STING-associated vasculopathy with onset in infancy. Last evaluated: 2025-06-27. Review status: criteria provided, single submitter. Criteria: Invitae Variant Classification Sherloc (09022015). Collection method: clinical testing. Allele origin: germline.
Comment: This sequence change replaces isoleucine, which is neutral and non-polar, with valine, which is neutral and non-polar, at codon 144 of the TMEM173 protein (p.Ile144Val). This variant is present in population databases (rs755245286, gnomAD 0.002%). This variant has not been reported in the literature in individuals affected with TMEM173-related conditions. ClinVar contains an entry for this variant (Variation ID: 1680257). Invitae Evidence Modeling of protein sequence and biophysical properties (such as structural, functional, and spatial information, amino acid conservation, physicochemical variation, residue mobility, and thermodynamic stability) indicates that this missense variant is not expected to disrupt TMEM173 protein function with a negative predictive value of 80%. In summary, the available evidence is currently insufficient to determine the role of this variant in disease. Therefore, it has been classified as a Variant of Uncertain Significance.